The following is an entry in ClinVar:

ClinVar aggregate classification (germline): Benign/Likely benign. Review status: criteria provided, multiple submitters, no conflicts (2 of 4 stars). 6 submissions from 6 submitters: Benign (1); Likely benign (4). 1 of the submissions does not count toward it. Last evaluated 2026-03-01.

Conditions:
Sulfite oxidase deficiency due to molybdenum cofactor deficiency type B1 (MOCODB1). Also called: Molybdenum cofactor deficiency, complementation group B; MOLYBDENUM COFACTOR DEFICIENCY, TYPE B1; Molybdenum cofactor deficiency B; Sulfite oxidase deficiency due to molybdenum cofactor deficiency type B. Identifiers: Orphanet 308393, Orphanet 833, MedGen C6065887, MONDO:0009644, OMIM 252160.
MOCS2-related disorder. Also called: MOCS2-related condition.

Allele frequency attached by ClinVar (database versions not stated): gnomAD exomes 0.00038 and 0.00089; ExAC 0.00109; ESP Exome Variant Server 0.00284; gnomAD 0.00328 and 0.00349; TOPMed 0.00362; 1000 Genomes Project 30x 0.00375; 1000 Genomes Project 0.00379.
gnomAD v4.1: 1,055 of 1,611,912 alleles (0.065%); highest among the groups gnomAD compares: African/African-American, 1.3%; 8 homozygotes.

Submissions (8):

CeGaT Center for Human Genetics Tuebingen
Classification: Likely benign. Last evaluated: 2026-03-01. Review status: criteria provided, single submitter. Criteria: CeGaT Center For Human Genetics Tuebingen Variant Classification Criteria Version 2. Collection method: clinical testing. Allele origin: germline. Affected: yes. Observed: 3 variant alleles.
Comment: MOCS2: BP4, BS1

Labcorp Genetics (formerly Invitae), Labcorp
Classification: Benign. Last evaluated: 2026-01-28. Review status: criteria provided, single submitter. Criteria: Invitae Variant Classification Sherloc (09022015). Collection method: clinical testing. Allele origin: germline.

Blueprint Genetics
Classification: Likely benign. Last evaluated: 2024-09-26. Review status: criteria provided, single submitter. Criteria: ACMG Guidelines, 2015. Collection method: clinical testing. Allele origin: germline.

Illumina Laboratory Services, Illumina
Classification: Likely benign for Sulfite oxidase deficiency due to molybdenum cofactor deficiency type B1. Last evaluated: 2018-01-13. Review status: criteria provided, single submitter. Criteria: ICSL Variant Classification Criteria 13 December 2019. Collection method: clinical testing. Allele origin: germline.
Comment: This variant was observed in the ICSL laboratory as part of a predisposition screen in an ostensibly healthy population. It had not been previously curated by ICSL or reported in the Human Gene Mutation Database (HGMD: prior to June 1st, 2018), and was therefore a candidate for classification through an automated scoring system. Utilizing variant allele frequency, disease prevalence and penetrance estimates, and inheritance mode, an automated score was calculated to assess if this variant is too frequent to cause the disease. Based on the score and internal cut-off values, a variant classified as likely benign is not then subjected to further curation. The score for this variant resulted in a classification of likely benign for this disease.

Breakthrough Genomics
Classification: Likely benign. Review status: criteria provided, single submitter. Criteria: ACMG Guidelines, 2015. Collection method: not provided. Allele origin: germline. Inheritance: Autosomal recessive inheritance. Affected: yes.

PreventionGenetics, part of Exact Sciences
Classification: Benign for MOCS2-related condition. Last evaluated: 2024-01-19. Review status: no assertion criteria provided. Collection method: clinical testing. Allele origin: germline. Not counted in ClinVar's aggregate classification.
Comment: This variant is classified as benign based on ACMG/AMP sequence variant interpretation guidelines (Richards et al. 2015 PMID: 25741868, with internal and published modifications).

Dr. Peter K. Rogan Lab, Western University
No classification provided (evidence only). Condition: Familial cancer of breast. Review status: no classification provided. Collection method: in vitro. Allele origin: not applicable. Functional consequence: retained intron. Not counted in ClinVar's aggregate classification.

Dr. Peter K. Rogan Lab, Western University
No classification provided (evidence only). Condition: Uterine corpus endometrial carcinoma. Review status: no classification provided. Collection method: in vitro. Allele origin: not applicable. Functional consequence: retained intron. Not counted in ClinVar's aggregate classification.

NM_004531.5(MOCS2):c.104A>G (p.Asp35Gly)

Gene: MOCS2 (molybdenum cofactor synthesis 2; minus strand). Cytogenetic location: 5q11.2.
Variant type: single nucleotide variant.
Coding change: c.104A>G on transcript NM_004531.5 (MANE Select); coding-DNA position 104, A replaced by G.
Protein change: p.Asp35Gly; replaces aspartic acid 35 with glycine.
Molecular consequence: missense variant. On other transcripts: 3 prime UTR variant (1).
Genome position (GRCh38, 1-based): chr5:53,102,219, T>C on the plus strand (A>G on the coding strand, the complement: MOCS2 is on the minus strand). VCF-style: chr5-53102219-T-C. GRCh37 (hg19) VCF-style: chr5-52398049-T-C.
Other names: c.104A>G (NM_004531.4); c.*24A>G (NM_176806.4); short protein forms D35G.
Identifiers: ClinVar variation 907270 (VCV000907270.23), dbSNP rs73094933, ClinGen allele CA3263717.